The following is an entry in ClinVar:

NM_001009944.3(PKD1):c.2098-19C>T

Gene: PKD1 (polycystin 1, transient receptor potential channel interacting; minus strand). Cytogenetic location: 16p13.3.
Variant type: single nucleotide variant.
Coding change: c.2098-19C>T on transcript NM_001009944.3 (MANE Select); 19 bases into the intron before coding-DNA position 2098, C replaced by T.
Molecular consequence: intron variant.
Genome position (GRCh38, 1-based): chr16:2,114,944, G>A on the plus strand (C>T on the coding strand, the complement: PKD1 is on the minus strand). VCF-style: chr16-2114944-G-A. GRCh37 (hg19) VCF-style: chr16-2164945-G-A.
Other names: c.2098-19C>T (NM_000296.4).
Identifiers: ClinVar variation 5005539 (VCV005005539.2).
Genomic context (GRCh38, chr16:2,114,944, plus strand): 5'-GTCACCAGGGAGCATGAGGACATCCTGGCCGTGGAGGGTGACCTGTGGAGAGGGAGGCAG[G>A]GCTGCATCACGTCCTCACGGTCATGGCCCGTGGACCCCCGCACGACGGATGAGGGTGGAC-3'

ClinVar aggregate classification (germline): Uncertain significance (1 of 4 stars; one submission).

Conditions:
Polycystic kidney disease, adult type (PKD1). Also called: POLYCYSTIC KIDNEY DISEASE, ADULT, TYPE I; Polycystic Kidney, Autosomal Dominant; Polycystic Kidney Disease 1, Autosomal Dominant; Polycystic kidney disease 1; Polycystic kidney disease 1, severe; POLYCYSTIC KIDNEY DISEASE 1 WITH OR WITHOUT POLYCYSTIC LIVER DISEASE. Identifiers: MedGen C3149841, MONDO:0008263, OMIM 173900.

gnomAD v4.1: 1 of 1,527,820 alleles (0.000065%); highest among the groups gnomAD compares: East Asian, 0.0024%; no homozygotes.

Submission:

Juno Genomics, Hangzhou Juno Genomics, Inc
Classification: Uncertain significance for Polycystic kidney disease, adult type. Review status: criteria provided, single submitter. Criteria: ACMG Guidelines, 2015. Collection method: clinical testing. Allele origin: germline.
Comment: Absent from controls (or at extremely low frequency if recessive) in Genome Aggregation Database.;Multiple lines of computational evidence suggest no impact on gene or gene product.;Patient's phenotype or family history is highly specific for a disease with a single genetic etiology.